The following is an entry in ClinVar:

ClinVar aggregate classification (germline): Uncertain significance. Review status: criteria provided, multiple submitters, no conflicts (2 of 4 stars). 2 submissions from 2 submitters: Uncertain significance (2). Last evaluated 2025-02-22.

Conditions:
Cardiovascular phenotype. Identifiers: MedGen CN230736.

Allele frequency attached by ClinVar (database versions not stated): gnomAD 0.00001; gnomAD exomes 0.00001; TOPMed 0.00001.
gnomAD v4.1: 17 of 1,613,970 alleles (0.0011%); highest among the groups gnomAD compares: Non-Finnish European, 0.0014%; no homozygotes.

Submissions (2):

Ambry Genetics
Classification: Uncertain significance for Cardiovascular phenotype. Last evaluated: 2025-02-22. Review status: criteria provided, single submitter. Criteria: Ambry Variant Classification Scheme 2023. Collection method: clinical testing. Allele origin: germline.

Labcorp Genetics (formerly Invitae), Labcorp
Classification: Uncertain significance. Last evaluated: 2023-02-26. Review status: criteria provided, single submitter. Criteria: Invitae Variant Classification Sherloc (09022015). Collection method: clinical testing. Allele origin: germline.
Comment: Algorithms developed to predict the effect of sequence changes on RNA splicing suggest that this variant may disrupt the consensus splice site. An algorithm developed to predict the effect of missense changes on protein structure and function (PolyPhen-2) suggests that this variant is likely to be disruptive. ClinVar contains an entry for this variant (Variation ID: 1740569). This variant has not been reported in the literature in individuals affected with ALPK3-related conditions. This variant is present in population databases (no rsID available, gnomAD 0.0009%). This sequence change replaces valine, which is neutral and non-polar, with methionine, which is neutral and non-polar, at codon 1478 of the ALPK3 protein (p.Val1478Met). In summary, the available evidence is currently insufficient to determine the role of this variant in disease. Therefore, it has been classified as a Variant of Uncertain Significance.

NM_020778.5(ALPK3):c.3826G>A (p.Val1276Met)

Gene: ALPK3 (alpha kinase 3; plus strand). Cytogenetic location: 15q25.3.
Variant type: single nucleotide variant.
Coding change: c.3826G>A on transcript NM_020778.5 (MANE Select); coding-DNA position 3826, G replaced by A.
Protein change: p.Val1276Met; replaces valine 1276 with methionine.
Molecular consequence: missense variant.
Genome position (GRCh38, 1-based): chr15:84,859,251, G>A. VCF-style: chr15-84859251-G-A. GRCh37 (hg19) VCF-style: chr15-85402482-G-A.
Other names: short protein forms V1276M.
Identifiers: ClinVar variation 1740569 (VCV001740569.8), dbSNP rs1467009857, ClinGen allele CA393361156.